The following is an entry in ClinVar:

NM_001349253.2(SCN11A):c.197A>C (p.Tyr66Ser)

Gene: SCN11A (sodium voltage-gated channel alpha subunit 11; minus strand). Cytogenetic location: 3p22.2.
Variant type: single nucleotide variant.
Coding change: c.197A>C on transcript NM_001349253.2 (MANE Select); coding-DNA position 197, A replaced by C.
Protein change: p.Tyr66Ser; replaces tyrosine 66 with serine.
Molecular consequence: missense variant.
Genome position (GRCh38, 1-based): chr3:38,950,166, T>G on the plus strand (A>C on the coding strand, the complement: SCN11A is on the minus strand). VCF-style: chr3-38950166-T-G. GRCh37 (hg19) VCF-style: chr3-38991657-T-G.
Other names: c.197A>C, p.Tyr66Ser (NM_014139.3); short protein forms Y66S.
Identifiers: ClinVar variation 3336794 (VCV003336794.1).

ClinVar aggregate classification (germline): Likely pathogenic (1 of 4 stars; one submission).

Conditions:
Familial episodic pain syndrome with predominantly lower limb involvement. Also called: Episodic pain syndrome, familial, 3. Identifiers: Orphanet 391384, Orphanet 391392, MedGen C3809899, MONDO:0014247, OMIM 615552.

Submission:

Center for Human Genetics and Genomic Medicine, Uniklinik Rwth Aachen
Classification: Likely pathogenic for Familial episodic pain syndrome with predominantly lower limb involvement. Last evaluated: 2024-08-13. Review status: criteria provided, single submitter. Criteria: ACMG Guidelines, 2015. Collection method: clinical testing. Allele origin: maternal. Inheritance: Autosomal dominant inheritance. Affected: yes. Observed: 1 heterozygote.
Comment: The variant has not been reported in databases or in the literature. Functional studies indicate that the variant alters channel function and thereby predisposes to fiber dysfunction and sensory symptoms. We have therefore classified the variant as likely pathogenic (PS3, PM2, PP1).